The following is an entry in ClinVar:

ClinVar aggregate classification (germline): Uncertain significance (1 of 4 stars; one submission).

Conditions:
Colorectal cancer, hereditary nonpolyposis, type 7. Identifiers: Orphanet 144, MedGen C1858380, MONDO:0013725, OMIM 614385.

gnomAD v4.1: 1 of 1,613,238 alleles (0.000062%); highest among the groups gnomAD compares: South Asian, 0.0011%; no homozygotes.

Submission:

Labcorp Genetics (formerly Invitae), Labcorp
Classification: Uncertain significance for Colorectal cancer, hereditary nonpolyposis, type 7. Last evaluated: 2021-10-31. Review status: criteria provided, single submitter. Criteria: Invitae Variant Classification Sherloc (09022015). Collection method: clinical testing. Allele origin: germline.
Comment: In summary, the available evidence is currently insufficient to determine the role of this variant in disease. Therefore, it has been classified as a Variant of Uncertain Significance. Algorithms developed to predict the effect of sequence changes on RNA splicing suggest that this variant may create or strengthen a splice site. Algorithms developed to predict the effect of missense changes on protein structure and function output the following: SIFT: "Tolerated"; PolyPhen-2: "Benign"; Align-GVGD: "Class C0". The glutamic acid amino acid residue is found in multiple mammalian species, which suggests that this missense change does not adversely affect protein function. This variant has not been reported in the literature in individuals affected with MLH3-related conditions. This variant is present in population databases (no rsID available, gnomAD 0.0009%). This sequence change replaces aspartic acid, which is acidic and polar, with glutamic acid, which is acidic and polar, at codon 385 of the MLH3 protein (p.Asp385Glu).

NM_001040108.2(MLH3):c.1155T>A (p.Asp385Glu)

Gene: MLH3 (mutL homolog 3; minus strand). Cytogenetic location: 14q24.3.
Variant type: single nucleotide variant.
Coding change: c.1155T>A on transcript NM_001040108.2 (MANE Select); coding-DNA position 1155, T replaced by A.
Protein change: p.Asp385Glu; replaces aspartic acid 385 with glutamic acid.
Molecular consequence: missense variant.
Genome position (GRCh38, 1-based): chr14:75,048,501, A>T on the plus strand (T>A on the coding strand, the complement: MLH3 is on the minus strand). VCF-style: chr14-75048501-A-T. GRCh37 (hg19) VCF-style: chr14-75515204-A-T.
Other names: c.1155T>A, p.Asp385Glu (NM_014381.3); short protein forms D385E.
Identifiers: ClinVar variation 1383341 (VCV001383341.6), dbSNP rs766153014, ClinGen allele CA390447248.